The following is an entry in ClinVar:

NM_000243.3(MEFV):c.1406T>C (p.Val469Ala)

Gene: MEFV (MEFV innate immunity regulator, pyrin; minus strand). Cytogenetic location: 16p13.3.
Variant type: single nucleotide variant.
Coding change: c.1406T>C on transcript NM_000243.3 (MANE Select); coding-DNA position 1406, T replaced by C.
Protein change: p.Val469Ala; replaces valine 469 with alanine.
Molecular consequence: missense variant.
Genome position (GRCh38, 1-based): chr16:3,247,197, A>G on the plus strand (T>C on the coding strand, the complement: MEFV is on the minus strand). VCF-style: chr16-3247197-A-G. GRCh37 (hg19) VCF-style: chr16-3297197-A-G.
Other names: c.773T>C, p.Val258Ala (NM_001198536.2); short protein forms V469A, V258A.
Identifiers: ClinVar variation 319113 (VCV000319113.16), dbSNP rs778686119, ClinGen allele CA7860134.

ClinVar aggregate classification (germline): Conflicting classifications of pathogenicity. Review status: criteria provided, conflicting classifications (1 of 4 stars). 9 submissions from 7 submitters: Uncertain significance (6); Likely benign (2). 1 of the submissions does not count toward it. Last evaluated 2025-12-19.

Conditions:
Familial Mediterranean fever (FMF). Also called: Periodic peritonitis; Benign paroxysmal peritonitis; POLYSEROSITIS, FAMILIAL PAROXYSMAL; POLYSEROSITIS, RECURRENT. Identifiers: Orphanet 342, MedGen C0031069, MONDO:0018088, OMIM 249100. Disease mechanism: gain of function.
Familial Mediterranean fever, autosomal dominant. Also called: Dominant Familial Mediterranean Fever; FMF, AUTOSOMAL DOMINANT. Identifiers: Orphanet 342, MedGen C1851347, MONDO:0007601, OMIM 134610.
Acute febrile neutrophilic dermatosis (AFND). Also called: Sweet Syndrome; Gomm Button disease. Identifiers: Orphanet 3243, MedGen C0085077, MONDO:0011959, OMIM 608068.
Autoinflammatory syndrome. Identifiers: Orphanet 93665, MedGen C3890737, MONDO:0019751.

Allele frequency attached by ClinVar (database versions not stated): gnomAD 0.00005; gnomAD exomes 0.00003 and 0.00004; TOPMed 0.00006; ExAC 0.00007.
gnomAD v4.1: 51 of 1,613,980 alleles (0.0032%); highest among the groups gnomAD compares: Non-Finnish European, 0.0042%; no homozygotes.

Submissions (9):

Labcorp Genetics (formerly Invitae), Labcorp
Classification: Uncertain significance for Familial Mediterranean fever. Last evaluated: 2025-12-19. Review status: criteria provided, single submitter. Criteria: Invitae Variant Classification Sherloc (09022015). Collection method: clinical testing. Allele origin: germline.
Comment: This sequence change replaces valine, which is neutral and non-polar, with alanine, which is neutral and non-polar, at codon 469 of the MEFV protein (p.Val469Ala). This variant is present in population databases (rs778686119, gnomAD 0.01%). This missense change has been observed in individual(s) with clinical features of MEFV-related conditions (PMID: 35358658). ClinVar contains an entry for this variant (Variation ID: 319113). An algorithm developed to predict the effect of missense changes on protein structure and function (PolyPhen-2) suggests that this variant is likely to be tolerated. In summary, the available evidence is currently insufficient to determine the role of this variant in disease. Therefore, it has been classified as a Variant of Uncertain Significance.

Fulgent Genetics
Classification: Uncertain significance for Familial Mediterranean fever, autosomal dominant; Familial Mediterranean fever; Acute febrile neutrophilic dermatosis. Last evaluated: 2024-03-13. Review status: criteria provided, single submitter. Criteria: ACMG Guidelines, 2015. Collection method: clinical testing. Allele origin: germline.

Genome-Nilou Lab
Classification: Uncertain significance for Familial Mediterranean fever. Last evaluated: 2023-02-08. Review status: criteria provided, single submitter. Criteria: ACMG Guidelines, 2015. Collection method: clinical testing. Allele origin: germline.

Genome-Nilou Lab
Classification: Likely benign for Familial Mediterranean fever, autosomal dominant. Last evaluated: 2023-02-08. Review status: criteria provided, single submitter. Criteria: ACMG Guidelines, 2015. Collection method: clinical testing. Allele origin: germline.

Genome-Nilou Lab
Classification: Likely benign for Acute febrile neutrophilic dermatosis. Last evaluated: 2023-02-08. Review status: criteria provided, single submitter. Criteria: ACMG Guidelines, 2015. Collection method: clinical testing. Allele origin: germline.

Women's Health and Genetics/Laboratory Corporation of America, LabCorp
Classification: Uncertain significance. Last evaluated: 2022-11-05. Review status: criteria provided, single submitter. Criteria: LabCorp Variant Classification Summary - May 2015. Collection method: clinical testing. Allele origin: germline.
Comment: Variant summary: MEFV c.1406T>C (p.Val469Ala) results in a non-conservative amino acid change in the encoded protein sequence. Three of five in-silico tools predict a benign effect of the variant on protein function. The variant allele was found at a frequency of 4e-05 in 251492 control chromosomes (gnomAD). This frequency is not significantly higher than expected for a pathogenic variant in MEFV causing Familial Mediterranean Fever (4e-05 vs 0.022), allowing no conclusion about variant significance. To our knowledge, no occurrence of c.1406T>C in individuals affected with Familial Mediterranean Fever and no experimental evidence demonstrating its impact on protein function have been reported. However, at-least one publications reports its occurrence as a heterozyous VUS in a patient with pharyngitis and adenitis (PFAPA) syndrome (Westwell-Roper_2019). Three ClinVar submitters have assessed the variant since 2014: all three classified the variant as uncertain significance. Based on the evidence outlined above, the variant was classified as uncertain significance.

Genome Diagnostics Laboratory, The Hospital for Sick Children
Classification: Uncertain significance for Autoinflammatory syndrome. Last evaluated: 2019-12-01. Review status: criteria provided, single submitter. Criteria: ACMG Guidelines, 2015. Collection method: clinical testing. Allele origin: germline. Affected: yes.

Illumina Laboratory Services, Illumina
Classification: Uncertain significance for Familial Mediterranean fever. Last evaluated: 2018-01-12. Review status: criteria provided, single submitter. Criteria: ICSL Variant Classification Criteria 13 December 2019. Collection method: clinical testing. Allele origin: germline.

Natera, Inc.
Classification: Uncertain significance for Familial Mediterranean fever. Last evaluated: 2020-09-16. Review status: no assertion criteria provided. Collection method: clinical testing. Allele origin: germline. Not counted in ClinVar's aggregate classification.

Literature cited by the submitters: PubMed 35358658 (cited by Labcorp Genetics (formerly Invitae), Labcorp); PubMed 31088470 (cited by Women's Health and Genetics/Laboratory Corporation of America, LabCorp).